The following is an entry in ClinVar:

NM_005732.4(RAD50):c.2996A>C (p.Glu999Ala)

Gene: RAD50 (RAD50 double strand break repair protein; plus strand). Cytogenetic location: 5q31.1.
Variant type: single nucleotide variant.
Coding change: c.2996A>C on transcript NM_005732.4 (MANE Select); coding-DNA position 2996, A replaced by C.
Protein change: p.Glu999Ala; replaces glutamic acid 999 with alanine.
Molecular consequence: missense variant.
Genome position (GRCh38, 1-based): chr5:132,609,356, A>C. VCF-style: chr5-132609356-A-C. GRCh37 (hg19) VCF-style: chr5-131945048-A-C.
Other names: short protein forms E999A.
Identifiers: ClinVar variation 646854 (VCV000646854.16), dbSNP rs1581004918, ClinGen allele CA360960793.

ClinVar aggregate classification (germline): Uncertain significance. Review status: criteria provided, multiple submitters, no conflicts (2 of 4 stars). 2 submissions from 2 submitters: Uncertain significance (2). Last evaluated 2024-09-05.

Conditions:
Hereditary cancer-predisposing syndrome. Also called: Hereditary Cancer Syndrome; Tumor predisposition; Hereditary neoplastic syndrome; Neoplastic Syndromes, Hereditary. Identifiers: Orphanet 140162, MedGen C0027672, MeSH D009386, MONDO:0015356.

Submissions (2):

Labcorp Genetics (formerly Invitae), Labcorp
Classification: Uncertain significance for Hereditary cancer-predisposing syndrome. Last evaluated: 2024-09-05. Review status: criteria provided, single submitter. Criteria: Invitae Variant Classification Sherloc (09022015). Collection method: clinical testing. Allele origin: germline.
Comment: This sequence change replaces glutamic acid, which is acidic and polar, with alanine, which is neutral and non-polar, at codon 999 of the RAD50 protein (p.Glu999Ala). This variant is not present in population databases (gnomAD no frequency). This variant has not been reported in the literature in individuals affected with RAD50-related conditions. ClinVar contains an entry for this variant (Variation ID: 646854). Invitae Evidence Modeling of protein sequence and biophysical properties (such as structural, functional, and spatial information, amino acid conservation, physicochemical variation, residue mobility, and thermodynamic stability) indicates that this missense variant is not expected to disrupt RAD50 protein function with a negative predictive value of 80%. In summary, the available evidence is currently insufficient to determine the role of this variant in disease. Therefore, it has been classified as a Variant of Uncertain Significance.

Ambry Genetics
Classification: Uncertain significance for Hereditary cancer-predisposing syndrome. Last evaluated: 2024-05-02. Review status: criteria provided, single submitter. Criteria: Ambry Variant Classification Scheme 2023. Collection method: clinical testing. Allele origin: germline.
Comment: The p.E999A variant (also known as c.2996A>C), located in coding exon 19 of the RAD50 gene, results from an A to C substitution at nucleotide position 2996. The glutamic acid at codon 999 is replaced by alanine, an amino acid with dissimilar properties. This amino acid position is poorly conserved in available vertebrate species. In addition, this alteration is predicted to be tolerated by in silico analysis. Since supporting evidence is limited at this time, the clinical significance of this alteration remains unclear.